The following is an entry in ClinVar:

ClinVar aggregate classification (germline): Pathogenic. Review status: criteria provided, single submitter (1 of 4 stars). 2 submissions from 2 submitters: Pathogenic (1). 1 of the submissions does not count toward it. Last evaluated 2025-05-08.

Conditions:
Hereditary cancer-predisposing syndrome. Also called: Neoplastic Syndromes, Hereditary; Tumor predisposition; Hereditary Cancer Syndrome; Hereditary neoplastic syndrome. Identifiers: Orphanet 140162, MedGen C0027672, MeSH D009386, MONDO:0015356.
Tuberous sclerosis syndrome (TSC). Also called: Tuberous Sclerosis Complex; Tuberous sclerosis. Identifiers: Orphanet 805, MedGen C0041341, MONDO:0001734.

Submissions (2):

Ambry Genetics
Classification: Pathogenic for Hereditary cancer-predisposing syndrome. Last evaluated: 2025-05-08. Review status: criteria provided, single submitter. Criteria: Ambry Variant Classification Scheme 2023. Collection method: clinical testing. Allele origin: germline.
Comment: The c.1965dupT pathogenic mutation, located in coding exon 18 of the TSC2 gene, results from a duplication of T at nucleotide position 1965, causing a translational frameshift with a predicted alternate stop codon (p.E656*). This variant was reported in individual(s) with features consistent with tuberous sclerosis complex (Choy YS et al. Ann Hum Genet, 1999 Sep;63:383-91; Dabora SL et al. Am J Hum Genet, 2001 Jan;68:64-80; Ding Y et al. Seizure, 2021 Oct;91:273-277). This variant is considered to be rare based on population cohorts in the Genome Aggregation Database (gnomAD). In addition to the clinical data presented in the literature, this alteration is expected to result in loss of function by premature protein truncation or nonsense-mediated mRNA decay. As such, this alteration is interpreted as a disease-causing mutation.

Tuberous sclerosis database (TSC2)
No classification provided. Condition: TSC. Review status: no classification provided. Criteria: Tuberous Sclerosis Database Assertion Criteria 2015. Collection method: curation. Allele origin: germline. Affected: yes. Not counted in ClinVar's aggregate classification.

Literature cited by the submitters: PubMed 10735580 (cited by Ambry Genetics); PubMed 11112665 (cited by Ambry Genetics); PubMed 34252879 (cited by Ambry Genetics).

NM_000548.5(TSC2):c.1965dup (p.Glu656Ter)

Gene: TSC2 (TSC complex subunit 2; plus strand). Cytogenetic location: 16p13.3.
Variant type: Duplication.
Coding change: c.1965dup on transcript NM_000548.5 (MANE Select); coding-DNA position 1965, one base duplicated (T; older notation c.1965dupT).
Protein change: p.Glu656Ter; replaces glutamic acid 656 with a stop codon.
Molecular consequence: nonsense.
Genome position (GRCh38, 1-based): chr16:2,071,802, T duplicated. VCF-style (leftmost placement, unchanged base first): chr16-2071801-C-CT. GRCh37 (hg19) VCF-style: chr16-2121802-C-CT.
Other names: c.1965dup, p.Glu656Ter (NM_001077183.3, NM_001114382.3, NM_001363528.2 and 3 more transcripts); c.1854dup, p.Glu619Ter (NM_001318827.2); c.1818dup, p.Glu607Ter (NM_001318829.2); c.1365dup, p.Glu456Ter (NM_001318831.2); c.1998dup, p.Glu667Ter (NM_001318832.2); short protein forms E607*, E456*, E619*, E656*, E667*.
Identifiers: ClinVar variation 49692 (VCV000049692.3), dbSNP rs137854082, ClinGen allele CA016345.